The following is an entry in ClinVar:

ClinVar aggregate classification (germline): Uncertain significance (1 of 4 stars; one submission).

Submission:

Ambry Genetics
Classification: Uncertain significance. Last evaluated: 2025-07-18. Review status: criteria provided, single submitter. Criteria: Ambry Variant Classification Scheme 2023. Collection method: clinical testing. Allele origin: germline.
Comment: The p.L1048H variant (also known as c.3143T>A), located in coding exon 1 of the TET2 gene, results from a T to A substitution at nucleotide position 3143. The leucine at codon 1048 is replaced by histidine, an amino acid with similar properties. This amino acid position is conserved. In addition, this alteration is predicted to be tolerated by in silico analysis. Based on the available evidence, the clinical significance of this variant remains unclear.

NM_001127208.3(TET2):c.3143T>A (p.Leu1048His)

Genes: TET2 (tet methylcytosine dioxygenase 2; plus strand), TET2-AS1 (TET2 antisense RNA 1; minus strand). Cytogenetic location: 4q24.
Variant type: single nucleotide variant.
Coding change: c.3143T>A on transcript NM_001127208.3 (MANE Select); coding-DNA position 3143, T replaced by A.
Protein change: p.Leu1048His; replaces leucine 1048 with histidine.
Molecular consequence: missense variant.
Genome position (GRCh38, 1-based): chr4:105,237,085, T>A. VCF-style: chr4-105237085-T-A. GRCh37 (hg19) VCF-style: chr4-106158242-T-A.
Other names: c.3143T>A, p.Leu1048His (NM_017628.4); short protein forms L1048H.
Identifiers: ClinVar variation 4182977 (VCV004182977.1).
Genomic context (GRCh38, chr4:105,237,085, plus strand): 5'-TGGAGCAGCATCTGAAGCAGTTTCACGCCAAGTCGTTATTTGACCATAAGGCTCTTACTC[T>A]CAAATCACAGAAGCAAGTAAAAGTTGAAATGTCAGGGCCAGTCACAGTTTTGACTAGACA-3'
Protein context (NP_001120680.1, residues 1038-1058): KSLFDHKALT[Leu1048His]KSQKQVKVEM